The following is an entry in ClinVar:

NM_001142864.4(PIEZO1):c.290G>A (p.Arg97His)

Gene: PIEZO1 (piezo type mechanosensitive ion channel component 1 (Er blood group); minus strand). Cytogenetic location: 16q24.3.
Variant type: single nucleotide variant.
Coding change: c.290G>A on transcript NM_001142864.4 (MANE Select); coding-DNA position 290, G replaced by A.
Protein change: p.Arg97His; replaces arginine 97 with histidine.
Molecular consequence: missense variant.
Genome position (GRCh38, 1-based): chr16:88,742,089, C>T on the plus strand (G>A on the coding strand, the complement: PIEZO1 is on the minus strand). VCF-style: chr16-88742089-C-T. GRCh37 (hg19) VCF-style: chr16-88808497-C-T.
Other names: p.Arg97His; short protein forms R97H.
Identifiers: ClinVar variation 3380438 (VCV003380438.1).

ClinVar aggregate classification (germline): Uncertain significance (1 of 4 stars; one submission).

Submission:

Mayo Clinic Laboratories, Mayo Clinic
Classification: Uncertain significance. Last evaluated: 2024-06-14. Review status: criteria provided, single submitter. Criteria: ACMG Guidelines, 2015. Collection method: clinical testing. Allele origin: germline. Observed: 1 variant allele.
Comment: BP4, PM2_moderate